The following is an entry in ClinVar:

NM_001478.5(B4GALNT1):c.1431del (p.Asp478fs)

Gene: B4GALNT1 (beta-1,4-N-acetyl-galactosaminyltransferase 1; minus strand). Cytogenetic location: 12q13.3.
Variant type: Deletion.
Coding change: c.1431del on transcript NM_001478.5 (MANE Select); coding-DNA position 1431, one base deleted (C; older notation c.1431delC).
Protein change: p.Asp478fs; shifts the reading frame from aspartic acid 478.
Molecular consequence: frameshift variant.
Genome position (GRCh38, 1-based): chr12:57,626,915, G deleted on the plus strand (C on the coding strand, the reverse complement: B4GALNT1 is on the minus strand); the first of 2 consecutive G bases (chr12:57,626,915-57,626,916); deleting either gives the same sequence. VCF-style (leftmost placement, unchanged base first): chr12-57626914-CG-C. GRCh37 (hg19) VCF-style: chr12-58020697-CG-C.
Other names: c.1266del, p.Asp423fs (NM_001276468.2, NM_001413978.1); c.1599del, p.Asp534fs (NM_001413967.1); c.1566del, p.Asp523fs (NM_001413968.1, NM_001413969.1); c.1464del, p.Asp489fs (NM_001413970.1, NM_001413971.1, NM_001413972.1); c.1431del, p.Asp478fs (NM_001413973.1, NM_001413974.1); c.1332del, p.Asp445fs (NM_001413977.1); c.579del, p.Asp194fs (NM_001413981.1); c.477del, p.Asp160fs (NM_001413982.1); and 1 more; short protein forms D478fs, D523fs, D534fs, D149fs, D194fs, D423fs, D160fs, D445fs.
Identifiers: ClinVar variation 2827828 (VCV002827828.3), dbSNP rs2540640409, ClinGen allele CA2739272125.

ClinVar aggregate classification (germline): Pathogenic (1 of 4 stars; one submission).

Conditions:
Spastic paraplegia. Identifiers: MedGen C0037772, HP:0001258.

Submission:

Labcorp Genetics (formerly Invitae), Labcorp
Classification: Pathogenic for Spastic paraplegia. Last evaluated: 2023-01-12. Review status: criteria provided, single submitter. Criteria: Invitae Variant Classification Sherloc (09022015). Collection method: clinical testing. Allele origin: germline.
Comment: This variant has not been reported in the literature in individuals affected with B4GALNT1-related conditions. This variant disrupts a region of the B4GALNT1 protein in which other variant(s) (p.Arg505His) have been determined to be pathogenic (PMID: 24103911, 30521973). This suggests that this is a clinically significant region of the protein, and that variants that disrupt it are likely to be disease-causing. For these reasons, this variant has been classified as Pathogenic. This variant is not present in population databases (gnomAD no frequency). This sequence change creates a premature translational stop signal (p.Asp478Thrfs*10) in the B4GALNT1 gene. While this is not anticipated to result in nonsense mediated decay, it is expected to disrupt the last 56 amino acid(s) of the B4GALNT1 protein.

Literature cited by the submitters: PubMed 24103911; PubMed 30521973.